The following is an entry in ClinVar:

NM_001289104.2(PRKCSH):c.529C>T (p.Arg177Trp)

Gene: PRKCSH (PRKCSH beta subunit of glucosidase II; plus strand). Cytogenetic location: 19p13.2.
Variant type: single nucleotide variant.
Coding change: c.529C>T on transcript NM_001289104.2 (MANE Select); coding-DNA position 529, C replaced by T.
Protein change: p.Arg177Trp; replaces arginine 177 with tryptophan.
Molecular consequence: missense variant.
Genome position (GRCh38, 1-based): chr19:11,442,446, C>T. VCF-style: chr19-11442446-C-T. GRCh37 (hg19) VCF-style: chr19-11553261-C-T.
Other names: c.529C>T, p.Arg177Trp (NM_001001329.3, NM_001289102.2, NM_001289103.2 and 3 more transcripts); short protein forms R177W.
Identifiers: ClinVar variation 4782306 (VCV004782306.1).

ClinVar aggregate classification (germline): Uncertain significance (1 of 4 stars; one submission).

gnomAD v4.1: 18 of 1,611,640 alleles (0.0011%); highest among the groups gnomAD compares: African/African-American, 0.004%; no homozygotes.

Submission:

Labcorp Genetics (formerly Invitae), Labcorp
Classification: Uncertain significance. Last evaluated: 2025-07-15. Review status: criteria provided, single submitter. Criteria: Invitae Variant Classification Sherloc (09022015). Collection method: clinical testing. Allele origin: germline.
Comment: This sequence change replaces arginine, which is basic and polar, with tryptophan, which is neutral and slightly polar, at codon 177 of the PRKCSH protein (p.Arg177Trp). This variant is present in population databases (rs778613334, gnomAD 0.005%). This variant has not been reported in the literature in individuals affected with PRKCSH-related conditions. An algorithm developed to predict the effect of missense changes on protein structure and function (PolyPhen-2) suggests that this variant is likely to be disruptive. In summary, the available evidence is currently insufficient to determine the role of this variant in disease. Therefore, it has been classified as a Variant of Uncertain Significance.